The following is an entry in ClinVar:

ClinVar aggregate classification (germline): Conflicting classifications of pathogenicity. Review status: criteria provided, conflicting classifications (1 of 4 stars). 2 submissions from 2 submitters: Uncertain significance (1); Likely benign (1). Last evaluated 2023-08-31.

Conditions:
MHC class I deficiency. Identifiers: Orphanet 34592, MedGen C6024714, MONDO:0011476.
Inborn genetic diseases. Identifiers: MedGen C0950123, MeSH D030342.

Allele frequency attached by ClinVar (database versions not stated): TOPMed 0.00004; gnomAD exomes 0.00002; ExAC 0.00003; gnomAD 0.00004.
gnomAD v4.1: 41 of 1,612,988 alleles (0.0025%); highest among the groups gnomAD compares: Admixed American, 0.0083%; no homozygotes.

Submissions (2):

Labcorp Genetics (formerly Invitae), Labcorp
Classification: Uncertain significance for MHC class I deficiency 1. Last evaluated: 2023-08-31. Review status: criteria provided, single submitter. Criteria: Invitae Variant Classification Sherloc (09022015). Collection method: clinical testing. Allele origin: germline.
Comment: In summary, the available evidence is currently insufficient to determine the role of this variant in disease. Therefore, it has been classified as a Variant of Uncertain Significance. Algorithms developed to predict the effect of missense changes on protein structure and function output the following: SIFT: "Not Available"; PolyPhen-2: "Not Available"; Align-GVGD: "Not Available". The arginine amino acid residue is found in multiple mammalian species, which suggests that this missense change does not adversely affect protein function. ClinVar contains an entry for this variant (Variation ID: 1470803). This variant has not been reported in the literature in individuals affected with TAP2-related conditions. This variant is present in population databases (rs764973712, gnomAD 0.004%). This sequence change replaces glutamine, which is neutral and polar, with arginine, which is basic and polar, at codon 581 of the TAP2 protein (p.Gln581Arg).

Ambry Genetics
Classification: Likely benign for Inborn genetic diseases. Last evaluated: 2021-11-29. Review status: criteria provided, single submitter. Criteria: Ambry Variant Classification Scheme 2023. Collection method: clinical testing. Allele origin: germline.

NM_001290043.2(TAP2):c.1742A>G (p.Gln581Arg)

Gene: TAP2 (transporter 2, ATP binding cassette subfamily B member; minus strand). Cytogenetic location: 6p21.32.
Variant type: single nucleotide variant.
Coding change: c.1742A>G on transcript NM_001290043.2 (MANE Select); coding-DNA position 1742, A replaced by G.
Protein change: p.Gln581Arg; replaces glutamine 581 with arginine.
Molecular consequence: missense variant.
Genome position (GRCh38, 1-based): chr6:32,829,983, T>C on the plus strand (A>G on the coding strand, the complement: TAP2 is on the minus strand). VCF-style: chr6-32829983-T-C. GRCh37 (hg19) VCF-style: chr6-32797760-T-C.
Other names: c.1742A>G, p.Gln581Arg (NM_000544.3, NM_018833.3); short protein forms Q581R.
Identifiers: ClinVar variation 1470803 (VCV001470803.5), dbSNP rs764973712, ClinGen allele CA3745812.
Genomic context (GRCh38, chr6:32,829,983, plus strand): 5'-AAGATACCTGTGTATATTCCATGCTCCATTTCCTGGATGAAGTCATCTGCGTGGGCAGCC[T>C]GGGCAGCCGCCATCACCTTATCATCTTCGCAGCTCTGCAGCCCATAAGCAATGTTGTTCC-3'
Protein context (NP_001276972.1, residues 571-591): CEDDKVMAAA[Gln581Arg]AAHADDFIQE